The following is an entry in ClinVar:

ClinVar aggregate classification (germline): Uncertain significance. Review status: criteria provided, multiple submitters, no conflicts (2 of 4 stars). 2 submissions from 2 submitters: Uncertain significance (2). Last evaluated 2025-04-29.

Conditions:
SMAD9-related disorder. Also called: SMAD9-related condition.

Allele frequency attached by ClinVar (database versions not stated): gnomAD exomes below 0.00001; ExAC 0.00002; TOPMed 0.00002; gnomAD 0.00004; ESP Exome Variant Server 0.00008.
gnomAD v4.1: 11 of 1,614,012 alleles (0.00068%); highest among the groups gnomAD compares: African/African-American, 0.008%; no homozygotes.

Submissions (2):

PreventionGenetics, part of Exact Sciences
Classification: Uncertain significance for SMAD9-related condition. Last evaluated: 2025-04-29. Review status: criteria provided, single submitter. Criteria: ACMG Guidelines, 2015. Collection method: clinical testing. Allele origin: germline.
Comment: The SMAD9 c.1091A>G variant is predicted to result in the amino acid substitution p.Tyr364Cys. To our knowledge, this variant has not been reported in the literature. This variant is reported in 0.0080% of alleles in individuals of African descent in gnomAD. At this time, the clinical significance of this variant is uncertain due to the absence of conclusive functional and genetic evidence.

GeneDx
Classification: Uncertain significance. Last evaluated: 2023-05-10. Review status: criteria provided, single submitter. Criteria: GeneDx Variant Classification Process June 2021. Collection method: clinical testing. Allele origin: germline. Affected: yes.
Comment: Not observed at significant frequency in large population cohorts (gnomAD); In silico analysis supports that this missense variant has a deleterious effect on protein structure/function; Has not been previously published as pathogenic or benign to our knowledge

NM_001127217.3(SMAD9):c.1091A>G (p.Tyr364Cys)

Gene: SMAD9 (SMAD family member 9; minus strand). Cytogenetic location: 13q13.3.
Variant type: single nucleotide variant.
Coding change: c.1091A>G on transcript NM_001127217.3 (MANE Select); coding-DNA position 1091, A replaced by G.
Protein change: p.Tyr364Cys; replaces tyrosine 364 with cysteine.
Molecular consequence: missense variant.
Genome position (GRCh38, 1-based): chr13:36,853,588, T>C on the plus strand (A>G on the coding strand, the complement: SMAD9 is on the minus strand). VCF-style: chr13-36853588-T-C. GRCh37 (hg19) VCF-style: chr13-37427725-T-C.
Other names: c.980A>G, p.Tyr327Cys (NM_001378621.1, NM_005905.6); short protein forms Y327C, Y364C.
Identifiers: ClinVar variation 2663053 (VCV002663053.2), dbSNP rs146564429, ClinGen allele CA6950381.